The following is an entry in ClinVar:

NM_000388.4(CASR):c.1828G>A (p.Glu610Lys)

Gene: CASR (calcium sensing receptor; plus strand). Cytogenetic location: 3q21.1.
Variant type: single nucleotide variant.
Coding change: c.1828G>A on transcript NM_000388.4 (MANE Select); coding-DNA position 1828, G replaced by A.
Protein change: p.Glu610Lys; replaces glutamic acid 610 with lysine.
Molecular consequence: missense variant.
Genome position (GRCh38, 1-based): chr3:122,283,782, G>A. VCF-style: chr3-122283782-G-A. GRCh37 (hg19) VCF-style: chr3-122002629-G-A.
Other names: c.1858G>A, p.Glu620Lys (NM_001178065.2); short protein forms E620K, E610K.
Identifiers: ClinVar variation 4993233 (VCV004993233.1).

ClinVar aggregate classification (germline): Uncertain significance (1 of 4 stars; one submission).

Conditions:
CASR-related disorder. Also called: CASR-related condition.

Submission:

PreventionGenetics, part of Exact Sciences
Classification: Uncertain significance for CASR-related condition. Last evaluated: 2026-01-07. Review status: criteria provided, single submitter. Criteria: ACMG Guidelines, 2015. Collection method: clinical testing. Allele origin: germline.
Comment: The CASR c.1858G>A variant is predicted to result in the amino acid substitution p.Glu620Lys. To our knowledge, this variant has not been reported in the literature or in a large population database (gnomAD), indicating this variant is rare. At this time, the clinical significance of this variant is uncertain due to the absence of conclusive functional and genetic evidence.